The following is an entry in ClinVar:

ClinVar aggregate classification (germline): Likely pathogenic (0 of 4 stars; one submission).

Conditions:
X-linked Alport syndrome (ATS1). Also called: COL4A5-Related Nephropathy; NEPHROPATHY AND DEAFNESS, X-LINKED. Identifiers: Orphanet 63, Orphanet 88917, MedGen C4746986, MONDO:0010520, OMIM 301050.

Submission:

Foundation for Research in Genetics and Endocrinology, FRIGE's Institute of Human Genetics
Classification: Likely pathogenic for X-linked Alport syndrome. Last evaluated: 2016-10-04. Review status: no assertion criteria provided. Collection method: clinical testing. Allele origin: germline. Inheritance: X-linked dominant inheritance. Affected: yes. Observed: 1 variant allele, 1 hemizygote.
Comment: The observed variant is not reported in 1000 genomse and ExAC databases. The in silico prediction of the variant is disease causing by Mutation Taster2.

NM_033380.3(COL4A5):c.3978del (p.Gly1327fs)

Gene: COL4A5 (collagen type IV alpha 5 chain; plus strand). Cytogenetic location: Xq22.3.
Variant type: Deletion.
Coding change: c.3978del on transcript NM_033380.3 (MANE Select); coding-DNA position 3978, one base deleted (A; older notation c.3978delA).
Protein change: p.Gly1327fs; shifts the reading frame from glycine 1327.
Molecular consequence: frameshift variant.
Genome position (GRCh38, 1-based): chrX:108,680,714, A deleted; the last of 3 consecutive A bases (chrX:108,680,712-108,680,714); deleting any one gives the same sequence. VCF-style (leftmost placement, unchanged base first): chrX-108680711-GA-G. GRCh37 (hg19) VCF-style: chrX-107923941-GA-G.
Other names: c.3960del, p.Gly1321fs (NM_000495.5); short protein forms G1327fs, G1321fs.
Identifiers: ClinVar variation 430899 (VCV000430899.2), dbSNP rs1131692246, ClinGen allele CA645373312.